The following is an entry in ClinVar:

NM_005430.4(WNT1):c.1035C>A (p.Cys345Ter)

Gene: WNT1 (Wnt family member 1; plus strand). Cytogenetic location: 12q13.12.
Variant type: single nucleotide variant.
Coding change: c.1035C>A on transcript NM_005430.4 (MANE Select); coding-DNA position 1035, C replaced by A.
Protein change: p.Cys345Ter; replaces cysteine 345 with a stop codon.
Molecular consequence: nonsense.
Genome position (GRCh38, 1-based): chr12:48,981,562, C>A. VCF-style: chr12-48981562-C-A. GRCh37 (hg19) VCF-style: chr12-49375345-C-A.
Other names: short protein forms C345*.
Identifiers: ClinVar variation 3693886 (VCV003693886.2).
Genomic context (GRCh38, chr12:48,981,562, plus strand): 5'-CGAGCTGCTCTGCTGCGGCAGGGGCCACCGCACGCGCACGCAGCGCGTCACCGAGCGCTG[C>A]AACTGCACCTTCCACTGGTGCTGCCACGTCAGCTGCCGCAACTGCACGCACACGCGCGTA-3'

ClinVar aggregate classification (germline): Pathogenic (1 of 4 stars; one submission).

Submission:

Labcorp Genetics (formerly Invitae), Labcorp
Classification: Pathogenic. Last evaluated: 2024-09-23. Review status: criteria provided, single submitter. Criteria: Invitae Variant Classification Sherloc (09022015). Collection method: clinical testing. Allele origin: germline.
Comment: This sequence change creates a premature translational stop signal (p.Cys345*) in the WNT1 gene. While this is not anticipated to result in nonsense mediated decay, it is expected to disrupt the last 26 amino acid(s) of the WNT1 protein. This variant is not present in population databases (gnomAD no frequency). This variant has not been reported in the literature in individuals affected with WNT1-related conditions. This variant disrupts a region of the WNT1 protein in which other variant(s) (p.Val355Phe) have been determined to be pathogenic (PMID: 23434763, 25010833). This suggests that this is a clinically significant region of the protein, and that variants that disrupt it are likely to be disease-causing. For these reasons, this variant has been classified as Pathogenic.

Literature cited by the submitters: PubMed 23434763; PubMed 25010833.